The following is an entry in ClinVar:

ClinVar aggregate classification (germline): Uncertain significance (1 of 4 stars; one submission).

Conditions:
Charcot-Marie-Tooth disease axonal type 2O. Also called: CHARCOT-MARIE-TOOTH NEUROPATHY, AXONAL, TYPE 2O; CHARCOT-MARIE-TOOTH DISEASE, AXONAL, AUTOSOMAL DOMINANT, TYPE 2O; Charcot-Marie-Tooth Neuropathy Type 2O; Charcot-Marie-Tooth disease, axonal, type 20. Identifiers: Orphanet 284232, MedGen C3280220, MONDO:0013644, OMIM 614228.

Submission:

Labcorp Genetics (formerly Invitae), Labcorp
Classification: Uncertain significance for Charcot-Marie-Tooth disease axonal type 2O. Last evaluated: 2025-12-31. Review status: criteria provided, single submitter. Criteria: Invitae Variant Classification Sherloc (09022015). Collection method: clinical testing. Allele origin: germline.
Comment: This sequence change replaces alanine, which is neutral and non-polar, with serine, which is neutral and polar, at codon 2465 of the DYNC1H1 protein (p.Ala2465Ser). This variant is not present in population databases (gnomAD no frequency). This variant has not been reported in the literature in individuals affected with DYNC1H1-related conditions. Invitae Evidence Modeling of protein sequence and biophysical properties (such as structural, functional, and spatial information, amino acid conservation, physicochemical variation, residue mobility, and thermodynamic stability) indicates that this missense variant is not expected to disrupt DYNC1H1 protein function with a negative predictive value of 95%. In summary, the available evidence is currently insufficient to determine the role of this variant in disease. Therefore, it has been classified as a Variant of Uncertain Significance.

NM_001376.5(DYNC1H1):c.7393G>T (p.Ala2465Ser)

Gene: DYNC1H1 (dynein cytoplasmic 1 heavy chain 1; plus strand). Cytogenetic location: 14q32.31.
Variant type: single nucleotide variant.
Coding change: c.7393G>T on transcript NM_001376.5 (MANE Select); coding-DNA position 7393, G replaced by T.
Protein change: p.Ala2465Ser; replaces alanine 2465 with serine.
Molecular consequence: missense variant.
Genome position (GRCh38, 1-based): chr14:102,016,006, G>T. VCF-style: chr14-102016006-G-T. GRCh37 (hg19) VCF-style: chr14-102482343-G-T.
Other names: short protein forms A2465S.
Identifiers: ClinVar variation 4798153 (VCV004798153.1).
Genomic context (GRCh38, chr14:102,016,006, plus strand): 5'-CACATCATGGACCTAACACGCCTGCGCTGCCTGGGCTCGCTCTTCTCCATGCTGCACCAG[G>T]CCTGCCGCAACGTGGCGCAGTATAACGCCAACCATCCCGACTTCCCCATGCAGATCGAGC-3'
Protein context (NP_001367.2, residues 2455-2475): LGSLFSMLHQ[Ala2465Ser]CRNVAQYNAN